The following is an entry in ClinVar:

ClinVar aggregate classification (germline): Uncertain significance (1 of 4 stars; one submission).

Submission:

GeneDx
Classification: Uncertain significance. Last evaluated: 2024-11-07. Review status: criteria provided, single submitter. Criteria: GeneDx Variant Classification Process June 2021. Collection method: clinical testing. Allele origin: germline. Affected: yes.
Comment: Frameshift variant predicted to result in abnormal protein length as the last 507 amino acid(s) are replaced with 41 different amino acid(s); Has not been previously published as pathogenic or benign to our knowledge

NM_006885.4(ZFHX3):c.9589dup (p.Gln3197fs)

Genes: ZFHX3 (zinc finger homeobox 3; minus strand), ZFHX3-AS1 (ZFHX3 antisense RNA 1; plus strand). Cytogenetic location: 16q22.2.
Variant type: Duplication.
Coding change: c.9589dup on transcript NM_006885.4 (MANE Select); coding-DNA position 9589, one base duplicated (C; older notation c.9589dupC).
Protein change: p.Gln3197fs; shifts the reading frame from glutamine 3197.
Molecular consequence: frameshift variant.
Genome position (GRCh38, 1-based): chr16:72,788,687, G duplicated on the plus strand (C on the coding strand, the reverse complement: ZFHX3 is on the minus strand); the first of 7 consecutive G bases (chr16:72,788,687-72,788,693); duplicating any one gives the same sequence. VCF-style (leftmost placement, unchanged base first): chr16-72788686-T-TG. GRCh37 (hg19) VCF-style: chr16-72822585-T-TG.
Other names: c.6847dup, p.Gln2283fs (NM_001164766.2); c.9589dup, p.Gln3197fs (NM_001386735.1); short protein forms Q2283fs, Q3197fs.
Identifiers: ClinVar variation 3899178 (VCV003899178.1).